The following is an entry in ClinVar:

NM_022124.6(CDH23):c.6974dup (p.Leu2327fs)

Gene: CDH23 (cadherin related 23; plus strand). Cytogenetic location: 10q22.1.
Variant type: Duplication.
Coding change: c.6974dup on transcript NM_022124.6 (MANE Select); coding-DNA position 6974, one base duplicated (A; older notation c.6974dupA).
Protein change: p.Leu2327fs; shifts the reading frame from leucine 2327.
Molecular consequence: frameshift variant.
Genome position (GRCh38, 1-based): chr10:71,798,498, A duplicated; the last of 2 consecutive A bases (chr10:71,798,497-71,798,498); duplicating either gives the same sequence. VCF-style (leftmost placement, unchanged base first): chr10-71798496-C-CA. GRCh37 (hg19) VCF-style: chr10-73558253-C-CA.
Other names: c.254dup, p.Leu87fs (NM_001171933.1, NM_001171934.1); short protein forms L2327fs, L87fs.
Identifiers: ClinVar variation 2000931 (VCV002000931.4), dbSNP rs2494400537, ClinGen allele CA2580081848.

ClinVar aggregate classification (germline): Pathogenic (1 of 4 stars; one submission).

Submission:

Labcorp Genetics (formerly Invitae), Labcorp
Classification: Pathogenic. Last evaluated: 2022-06-08. Review status: criteria provided, single submitter. Criteria: Invitae Variant Classification Sherloc (09022015). Collection method: clinical testing. Allele origin: germline.
Comment: For these reasons, this variant has been classified as Pathogenic. This variant has not been reported in the literature in individuals affected with CDH23-related conditions. This variant is not present in population databases (gnomAD no frequency). This sequence change creates a premature translational stop signal (p.Leu2327Profs*2) in the CDH23 gene. It is expected to result in an absent or disrupted protein product. Loss-of-function variants in CDH23 are known to be pathogenic (PMID: 11138009, 21940737).

Literature cited by the submitters: PubMed 11138009; PubMed 21940737.